The following is an entry in ClinVar:

ClinVar aggregate classification (germline): Benign. Review status: criteria provided, multiple submitters, no conflicts (2 of 4 stars). 10 submissions from 10 submitters: Benign (10). Last evaluated 2026-02-04.

Conditions:
Hereditary pulmonary alveolar proteinosis. Also called: Pulmonary surfactant metabolism dysfunction. Identifiers: Orphanet 264675, MedGen C3711368, MONDO:0012580.
Surfactant metabolism dysfunction, pulmonary, 1. Also called: INTERSTITIAL LUNG DISEASE DUE TO SURFACTANT PROTEIN B DEFICIENCY; INTERSTITIAL LUNG DISEASE, NONSPECIFIC, DUE TO SURFACTANT PROTEIN B DEFICIENCY; Pulmonary surfactant protein B, deficiency of; Neonatal acute respiratory distress due to SP-B deficiency; PULMONARY ALVEOLAR PROTEINOSIS, CONGENITAL, 1. Identifiers: Orphanet 217563, MedGen C1968602, MONDO:0009929, OMIM 265120.

Allele frequency attached by ClinVar (database versions not stated): 1000 Genomes Project 0.29692; gnomAD exomes 0.36098; ExAC 0.35530; ESP Exome Variant Server 0.28287; TOPMed 0.29618; 1000 Genomes Project 30x 0.29825.
gnomAD v4.1: 574,184 of 1,606,802 alleles (36%); highest among the groups gnomAD compares: Middle Eastern, 42%; 106,754 homozygotes.

Submissions (10):

Labcorp Genetics (formerly Invitae), Labcorp
Classification: Benign. Last evaluated: 2026-02-04. Review status: criteria provided, single submitter. Criteria: Invitae Variant Classification Sherloc (09022015). Collection method: clinical testing. Allele origin: germline.

Blueprint Genetics
Classification: Benign. Last evaluated: 2024-11-26. Review status: criteria provided, single submitter. Criteria: ACMG Guidelines, 2015. Collection method: clinical testing. Allele origin: germline.

Mayo Clinic Laboratories, Mayo Clinic
Classification: Benign. Last evaluated: 2022-09-06. Review status: criteria provided, single submitter. Criteria: ACMG Guidelines, 2015. Collection method: clinical testing. Allele origin: germline. Observed: 6 variant alleles.

Genome-Nilou Lab
Classification: Benign for Surfactant metabolism dysfunction, pulmonary, 1. Last evaluated: 2021-07-15. Review status: criteria provided, single submitter. Criteria: ACMG Guidelines, 2015. Collection method: clinical testing. Allele origin: germline. Affected: no.

GeneDx
Classification: Benign. Last evaluated: 2018-11-12. Review status: criteria provided, single submitter. Criteria: GeneDx Variant Classification Process June 2021. Collection method: clinical testing. Allele origin: germline. Affected: yes.

Illumina Laboratory Services, Illumina
Classification: Benign for Surfactant metabolism dysfunction, pulmonary, 1. Last evaluated: 2018-01-13. Review status: criteria provided, single submitter. Criteria: ICSL Variant Classification Criteria 13 December 2019. Collection method: clinical testing. Allele origin: germline.
Comment: This variant was observed in the ICSL laboratory as part of a predisposition screen in an ostensibly healthy population. It had not been previously curated by ICSL or reported in the Human Gene Mutation Database (HGMD: prior to June 1st, 2018), and was therefore a candidate for classification through an automated scoring system. Utilizing variant allele frequency, disease prevalence and penetrance estimates, and inheritance mode, an automated score was calculated to assess if this variant is too frequent to cause the disease. Based on the score and internal cut-off values, a variant classified as benign is not then subjected to further curation. The score for this variant resulted in a classification of benign for this disease.

Ambry Genetics
Classification: Benign for Hereditary pulmonary alveolar proteinosis. Last evaluated: 2015-10-26. Review status: criteria provided, single submitter. Criteria: Ambry Variant Classification Scheme 2023. Collection method: clinical testing. Allele origin: germline.

Laboratory for Molecular Medicine, Mass General Brigham Personalized Medicine
Classification: Benign. Last evaluated: 2013-02-21. Review status: criteria provided, single submitter. Criteria: LMM Criteria. Collection method: clinical testing. Allele origin: germline. Observed: 78 variant alleles.
Comment: 232-8C>A in intron 3 of SFTPB: This variant is not expected to have clinical sig nificance because it has been identified in 37.5% (3227/8600) of European Americ an chromosomes from a broad population by the NHLBI Exome Sequencing Project (dbSNP rs3024798).

Breakthrough Genomics
Classification: Benign. Review status: criteria provided, single submitter. Criteria: ACMG Guidelines, 2015. Collection method: not provided. Allele origin: germline. Inheritance: Autosomal recessive inheritance. Affected: yes.

PreventionGenetics, part of Exact Sciences
Classification: Benign. Review status: criteria provided, single submitter. Criteria: ACMG Guidelines, 2015. Collection method: clinical testing. Allele origin: germline.

NM_000542.5(SFTPB):c.196-8C>A

Gene: SFTPB (surfactant protein B; minus strand). Cytogenetic location: 2p11.2.
Variant type: single nucleotide variant.
Coding change: c.196-8C>A on transcript NM_000542.5 (MANE Select); 8 bases into the intron before coding-DNA position 196, C replaced by A.
Molecular consequence: intron variant.
Genome position (GRCh38, 1-based): chr2:85,667,185, G>T on the plus strand (C>A on the coding strand, the complement: SFTPB is on the minus strand). VCF-style: chr2-85667185-G-T. GRCh37 (hg19) VCF-style: chr2-85894308-G-T.
Other names: p.?; c.196-8C>A (NM_198843.3, NM_001367281.1).
Identifiers: ClinVar variation 165206 (VCV000165206.25), dbSNP rs3024798, ClinGen allele CA177948.